The following is an entry in ClinVar:

NM_001370259.2(MEN1):c.585G>A (p.Glu195=)

Gene: MEN1 (menin 1; minus strand). Cytogenetic location: 11q13.1.
Variant type: single nucleotide variant.
Coding change: c.585G>A on transcript NM_001370259.2 (MANE Select); coding-DNA position 585, G replaced by A.
Protein change: p.Glu195=; no amino-acid change (glutamic acid 195 retained).
Molecular consequence: synonymous variant. On other transcripts: intron variant (2).
Genome position (GRCh38, 1-based): chr11:64,807,960, C>T on the plus strand (G>A on the coding strand, the complement: MEN1 is on the minus strand). VCF-style: chr11-64807960-C-T. GRCh37 (hg19) VCF-style: chr11-64575432-C-T.
Other names: c.600G>A, p.Glu200= (NM_000244.4, NM_130800.3, NM_130801.3 and 3 more transcripts); c.585G>A, p.Glu195= (NM_001370251.2, NM_001370260.2, NM_001370261.2 and 1 more transcripts); c.549+36G>A (NM_001370263.2, NM_001370262.2).
Identifiers: ClinVar variation 219603 (VCV000219603.13), dbSNP rs864622177, ClinGen allele CA348878.

ClinVar aggregate classification (germline): Likely benign. Review status: criteria provided, multiple submitters, no conflicts (2 of 4 stars). 3 submissions from 3 submitters: Likely benign (3). Last evaluated 2025-01-08.

Conditions:
Hereditary cancer-predisposing syndrome. Also called: Tumor predisposition; Hereditary neoplastic syndrome; Neoplastic Syndromes, Hereditary; Hereditary Cancer Syndrome. Identifiers: Orphanet 140162, MedGen C0027672, MeSH D009386, MONDO:0015356.
Multiple endocrine neoplasia, type 1 (MEN1). Also called: MEN I; WERMER SYNDROME; Endocrine adenomatosis multiple; MEN 1; MEA I. Identifiers: Orphanet 652, MedGen C0025267, MeSH D018761, MONDO:0007540, OMIM 131100.

Allele frequency attached by ClinVar (database versions not stated): TOPMed 0.00001.

Submissions (3):

Labcorp Genetics (formerly Invitae), Labcorp
Classification: Likely benign for Multiple endocrine neoplasia, type 1. Last evaluated: 2025-01-08. Review status: criteria provided, single submitter. Criteria: Invitae Variant Classification Sherloc (09022015). Collection method: clinical testing. Allele origin: germline.

Ambry Genetics
Classification: Likely benign for Hereditary cancer-predisposing syndrome. Last evaluated: 2024-11-03. Review status: criteria provided, single submitter. Criteria: Ambry Variant Classification Scheme 2023. Collection method: clinical testing. Allele origin: germline.

All of Us Research Program, National Institutes of Health
Classification: Likely benign for Multiple endocrine neoplasia, type 1. Last evaluated: 2024-07-20. Review status: criteria provided, single submitter. Criteria: ACMG Guidelines, 2015. Collection method: clinical testing. Allele origin: germline. Inheritance: Autosomal dominant inheritance. Observed: 1 variant allele, 1 heterozygote.
Comment: This study involves interpretation of variants in research participants for the purpose of population health screening. Participant phenotype was not available at the time of variant classification. Additional details can be found in publication PMID: 35346344, PMCID: PMC8962531